The following is an entry in ClinVar:

ClinVar aggregate classification (germline): Benign/Likely benign. Review status: criteria provided, multiple submitters, no conflicts (2 of 4 stars). 8 submissions from 8 submitters: Benign (3); Likely benign (4). 1 of the submissions does not count toward it. Last evaluated 2026-01-06.

Conditions:
LOX-related disorder. Also called: LOX-related disorders; LOX-related condition.
Aortic aneurysm, familial thoracic 10 (AAT10). Identifiers: MedGen C4284414, MONDO:0014950, OMIM 617168.
Cardiovascular phenotype. Identifiers: MedGen CN230736.

Allele frequency attached by ClinVar (database versions not stated): TOPMed 0.00015; 1000 Genomes Project 30x 0.00016; 1000 Genomes Project 0.00020; gnomAD exomes 0.00028 and 0.00036; gnomAD 0.00030; ESP Exome Variant Server 0.00031; ExAC 0.00048.
gnomAD v4.1: 438 of 1,614,088 alleles (0.027%); highest among the groups gnomAD compares: Non-Finnish European, 0.026%; no homozygotes.

Submissions (8):

Labcorp Genetics (formerly Invitae), Labcorp
Classification: Benign. Last evaluated: 2026-01-06. Review status: criteria provided, single submitter. Criteria: Invitae Variant Classification Sherloc (09022015). Collection method: clinical testing. Allele origin: germline.

CeGaT Center for Human Genetics Tuebingen
Classification: Likely benign. Last evaluated: 2025-10-01. Review status: criteria provided, single submitter. Criteria: CeGaT Center For Human Genetics Tuebingen Variant Classification Criteria Version 2. Collection method: clinical testing. Allele origin: germline. Affected: yes. Observed: 1 variant allele.
Comment: LOX: BP4, BP7

Blueprint Genetics
Classification: Likely benign. Last evaluated: 2024-09-30. Review status: criteria provided, single submitter. Criteria: ACMG Guidelines, 2015. Collection method: clinical testing. Allele origin: germline.

ARUP Laboratories, Molecular Genetics and Genomics, ARUP Laboratories
Classification: Benign for Aortic aneurysm, familial thoracic 10. Last evaluated: 2024-04-15. Review status: criteria provided, single submitter. Criteria: ARUP Molecular Germline Variant Investigation Process 2024. Collection method: clinical testing. Allele origin: germline.

GeneDx
Classification: Likely benign. Last evaluated: 2021-07-28. Review status: criteria provided, single submitter. Criteria: GeneDx Variant Classification Process June 2021. Collection method: clinical testing. Allele origin: germline. Affected: yes.

Ambry Genetics
Classification: Likely benign for Cardiovascular phenotype. Last evaluated: 2019-05-19. Review status: criteria provided, single submitter. Criteria: Ambry Variant Classification Scheme 2023. Collection method: clinical testing. Allele origin: germline.

Women's Health and Genetics/Laboratory Corporation of America, LabCorp
Classification: Benign. Last evaluated: 2017-07-14. Review status: criteria provided, single submitter. Criteria: LabCorp Variant Classification Summary - May 2015. Collection method: clinical testing. Allele origin: germline.
Comment: Variant summary: The LOX c.534T>C (p.Ser178Ser) variant involves the alteration of a non-conserved nucleotide, resulting in a synonymous change. Mutation taster predicts damaging outcome for this variant. 5/5 splice prediction tools predict no significant impact on normal splicing. ESE finder predicts that this variant may affect binding of multiple ESE sites. However, these predictions have yet to be confirmed by functional studies. This variant was found in 58/120478 control chromosomes from ExAC at a frequency of 0.0004814, which is approximately 29 times the estimated maximal expected allele frequency of a pathogenic LOX variant (0.0000167), suggesting this variant is likely a benign polymorphism. Taken together, this variant is classified as benign.

PreventionGenetics, part of Exact Sciences
Classification: Likely benign for LOX-related condition. Last evaluated: 2020-10-21. Review status: no assertion criteria provided. Collection method: clinical testing. Allele origin: germline. Not counted in ClinVar's aggregate classification.
Comment: This variant is classified as likely benign based on ACMG/AMP sequence variant interpretation guidelines (Richards et al. 2015 PMID: 25741868, with internal and published modifications).

NM_002317.7(LOX):c.534T>C (p.Ser178=)

Genes: LOX (lysyl oxidase; minus strand), SRFBP1 (serum response factor binding protein 1; plus strand). Cytogenetic location: 5q23.1.
Variant type: single nucleotide variant.
Coding change: c.534T>C on transcript NM_002317.7 (MANE Select); coding-DNA position 534, T replaced by C.
Protein change: p.Ser178=; no amino-acid change (serine 178 retained).
Molecular consequence: synonymous variant.
Genome position (GRCh38, 1-based): chr5:122,077,452, A>G on the plus strand (T>C on the coding strand, the complement: LOX is on the minus strand). VCF-style: chr5-122077452-A-G. GRCh37 (hg19) VCF-style: chr5-121413147-A-G.
Identifiers: ClinVar variation 496152 (VCV000496152.29), dbSNP rs144768703, ClinGen allele CA3384011.